The following is an entry in ClinVar:

ClinVar aggregate classification (germline): Uncertain significance (1 of 4 stars; one submission).

Allele frequency attached by ClinVar (database versions not stated): TOPMed below 0.00001; gnomAD 0.00001; gnomAD exomes 0.00001.
gnomAD v4.1: 16 of 1,577,178 alleles (0.001%); highest among the groups gnomAD compares: East Asian, 0.0046%; no homozygotes.

Submission:

Labcorp Genetics (formerly Invitae), Labcorp
Classification: Uncertain significance. Last evaluated: 2022-04-08. Review status: criteria provided, single submitter. Criteria: Invitae Variant Classification Sherloc (09022015). Collection method: clinical testing. Allele origin: germline.
Comment: In summary, the available evidence is currently insufficient to determine the role of this variant in disease. Therefore, it has been classified as a Variant of Uncertain Significance. Algorithms developed to predict the effect of missense changes on protein structure and function output the following: SIFT: "Tolerated"; PolyPhen-2: "Benign"; Align-GVGD: "Class C0". The glutamine amino acid residue is found in multiple mammalian species, which suggests that this missense change does not adversely affect protein function. This variant has not been reported in the literature in individuals affected with ADGRB2-related conditions. This variant is not present in population databases (gnomAD no frequency). This sequence change replaces arginine, which is basic and polar, with glutamine, which is neutral and polar, at codon 1486 of the ADGRB2 protein (p.Arg1486Gln).

NM_001364857.2(ADGRB2):c.4559G>A (p.Arg1520Gln)

Gene: ADGRB2 (adhesion G protein-coupled receptor B2; minus strand). Cytogenetic location: 1p35.2.
Variant type: single nucleotide variant.
Coding change: c.4559G>A on transcript NM_001364857.2 (MANE Select); coding-DNA position 4559, G replaced by A.
Protein change: p.Arg1520Gln; replaces arginine 1520 with glutamine.
Molecular consequence: missense variant.
Genome position (GRCh38, 1-based): chr1:31,728,038, C>T on the plus strand (G>A on the coding strand, the complement: ADGRB2 is on the minus strand). VCF-style: chr1-31728038-C-T. GRCh37 (hg19) VCF-style: chr1-32193639-C-T.
Other names: c.4556G>A, p.Arg1519Gln (NM_001294335.2); c.4457G>A, p.Arg1486Gln (NM_001294336.2); c.4559G>A, p.Arg1520Gln (NM_001703.2); short protein forms R1486Q, R1519Q, R1520Q.
Identifiers: ClinVar variation 1929046 (VCV001929046.5), dbSNP rs768031611, ClinGen allele CA734992.